The following is an entry in ClinVar:

ClinVar aggregate classification (germline): Conflicting classifications of pathogenicity. Review status: criteria provided, conflicting classifications (1 of 4 stars). 3 submissions from 3 submitters: Likely pathogenic (1); Uncertain significance (2). Last evaluated 2025-01-09.

Conditions:
Autosomal recessive nonsyndromic hearing loss 77. Identifiers: Orphanet 90636, MedGen C2746083, MONDO:0013119, OMIM 613079.

Allele frequency attached by ClinVar (database versions not stated): gnomAD exomes 0.00002 and 0.00005; gnomAD 0.00003 and 0.00004; ExAC 0.00005; TOPMed 0.00006.
gnomAD v4.1: 31 of 1,545,986 alleles (0.002%); highest among the groups gnomAD compares: East Asian, 0.02%; no homozygotes.

Submissions (3):

Institute of Rare Diseases, West China Hospital, Sichuan University
Classification: Likely pathogenic for Autosomal recessive nonsyndromic hearing loss 77. Last evaluated: 2025-01-09. Review status: criteria provided, single submitter. Criteria: ClinGen HL ACMG Specifications v1. Collection method: research. Allele origin: germline. Affected: yes.

Labcorp Genetics (formerly Invitae), Labcorp
Classification: Uncertain significance. Last evaluated: 2022-05-18. Review status: criteria provided, single submitter. Criteria: Invitae Variant Classification Sherloc (09022015). Collection method: clinical testing. Allele origin: germline.
Comment: This sequence change falls in intron 16 of the LOXHD1 gene. It does not directly change the encoded amino acid sequence of the LOXHD1 protein. This variant is present in population databases (rs749554659, gnomAD 0.05%). This variant has not been reported in the literature in individuals affected with LOXHD1-related conditions. ClinVar contains an entry for this variant (Variation ID: 326863). Algorithms developed to predict the effect of sequence changes on RNA splicing suggest that this variant may disrupt the consensus splice site. In summary, the available evidence is currently insufficient to determine the role of this variant in disease. Therefore, it has been classified as a Variant of Uncertain Significance.

Illumina Laboratory Services, Illumina
Classification: Uncertain significance for Autosomal recessive nonsyndromic hearing loss 77. Last evaluated: 2018-01-13. Review status: criteria provided, single submitter. Criteria: ICSL Variant Classification Criteria 13 December 2019. Collection method: clinical testing. Allele origin: germline.

NM_001384474.1(LOXHD1):c.2245-13G>A

Gene: LOXHD1 (lipoxygenase homology PLAT domains 1; minus strand). Cytogenetic location: 18q21.1.
Variant type: single nucleotide variant.
Coding change: c.2245-13G>A on transcript NM_001384474.1 (MANE Select); 13 bases into the intron before coding-DNA position 2245, G replaced by A.
Molecular consequence: intron variant.
Genome position (GRCh38, 1-based): chr18:46,566,462, C>T on the plus strand (G>A on the coding strand, the complement: LOXHD1 is on the minus strand). VCF-style: chr18-46566462-C-T. GRCh37 (hg19) VCF-style: chr18-44146425-C-T.
Other names: c.2245-13G>A (NM_144612.7).
Identifiers: ClinVar variation 326863 (VCV000326863.10), dbSNP rs749554659, ClinGen allele CA8952692.